The following is an entry in ClinVar:

NM_002508.3(NID1):c.3220G>A (p.Val1074Met)

Gene: NID1 (nidogen 1; minus strand). Cytogenetic location: 1q42.3.
Variant type: single nucleotide variant.
Coding change: c.3220G>A on transcript NM_002508.3 (MANE Select); coding-DNA position 3220, G replaced by A.
Protein change: p.Val1074Met; replaces valine 1074 with methionine.
Molecular consequence: missense variant.
Genome position (GRCh38, 1-based): chr1:235,981,618, C>T on the plus strand (G>A on the coding strand, the complement: NID1 is on the minus strand). VCF-style: chr1-235981618-C-T. GRCh37 (hg19) VCF-style: chr1-236144918-C-T.
Other names: c.3220G>A (NM_002508.2); short protein forms V1074M.
Identifiers: ClinVar variation 3905373 (VCV003905373.10).

ClinVar aggregate classification (germline): Conflicting classifications of pathogenicity. Review status: criteria provided, conflicting classifications (1 of 4 stars). 2 submissions from 2 submitters: Uncertain significance (1); Likely benign (1). Last evaluated 2025-06-01.

Submissions (2):

CeGaT Center for Human Genetics Tuebingen
Classification: Likely benign. Last evaluated: 2025-06-01. Review status: criteria provided, single submitter. Criteria: CeGaT Center For Human Genetics Tuebingen Variant Classification Criteria Version 2. Collection method: clinical testing. Allele origin: germline. Affected: yes. Observed: 1 variant allele.
Comment: NID1: BP4

Ambry Genetics
Classification: Uncertain significance. Last evaluated: 2025-05-18. Review status: criteria provided, single submitter. Criteria: Ambry Variant Classification Scheme 2023. Collection method: clinical testing. Allele origin: germline.